The following is an entry in ClinVar:

NM_001098511.3(KIF2A):c.2147G>A (p.Arg716Gln)

Gene: KIF2A (kinesin family member 2A; plus strand). Cytogenetic location: 5q12.1.
Variant type: single nucleotide variant.
Coding change: c.2147G>A on transcript NM_001098511.3 (MANE Select); coding-DNA position 2147, G replaced by A.
Protein change: p.Arg716Gln; replaces arginine 716 with glutamine.
Molecular consequence: missense variant.
Genome position (GRCh38, 1-based): chr5:62,381,251, G>A. VCF-style: chr5-62381251-G-A. GRCh37 (hg19) VCF-style: chr5-61677078-G-A.
Other names: c.1952G>A, p.Arg651Gln (NM_001243952.2); c.1976G>A, p.Arg659Gln (NM_001243953.2); c.2033G>A, p.Arg678Gln (NM_004520.5); short protein forms R651Q, R659Q, R716Q, R678Q.
Identifiers: ClinVar variation 1416908 (VCV001416908.6), dbSNP rs777345819, ClinGen allele CA3279116.

ClinVar aggregate classification (germline): Uncertain significance (1 of 4 stars; one submission).

Allele frequency attached by ClinVar (database versions not stated): ExAC 0.00001; gnomAD 0.00001; gnomAD exomes 0.00002.
gnomAD v4.1: 12 of 1,611,638 alleles (0.00074%); highest among the groups gnomAD compares: East Asian, 0.0022%; no homozygotes.

Submission:

Labcorp Genetics (formerly Invitae), Labcorp
Classification: Uncertain significance. Last evaluated: 2023-11-27. Review status: criteria provided, single submitter. Criteria: Invitae Variant Classification Sherloc (09022015). Collection method: clinical testing. Allele origin: germline.
Comment: This sequence change replaces arginine, which is basic and polar, with glutamine, which is neutral and polar, at codon 716 of the KIF2A protein (p.Arg716Gln). This variant is present in population databases (rs777345819, gnomAD 0.005%). This variant has not been reported in the literature in individuals affected with KIF2A-related conditions. ClinVar contains an entry for this variant (Variation ID: 1416908). An algorithm developed to predict the effect of missense changes on protein structure and function (PolyPhen-2) suggests that this variant is likely to be disruptive. In summary, the available evidence is currently insufficient to determine the role of this variant in disease. Therefore, it has been classified as a Variant of Uncertain Significance.